The following is an entry in ClinVar:

NM_020831.6(MRTFA):c.1520T>C (p.Val507Ala)

Gene: MRTFA (myocardin related transcription factor A; minus strand). Cytogenetic location: 22q13.1.
Variant type: single nucleotide variant.
Coding change: c.1520T>C on transcript NM_020831.6 (MANE Select); coding-DNA position 1520, T replaced by C.
Protein change: p.Val507Ala; replaces valine 507 with alanine.
Molecular consequence: missense variant.
Genome position (GRCh38, 1-based): chr22:40,419,218, A>G on the plus strand (T>C on the coding strand, the complement: MRTFA is on the minus strand). VCF-style: chr22-40419218-A-G. GRCh37 (hg19) VCF-style: chr22-40815222-A-G.
Other names: c.1220T>C, p.Val407Ala (NM_001282660.2); c.1370T>C, p.Val457Ala (NM_001282661.3); c.1520T>C, p.Val507Ala (NM_001282662.3); c.1325T>C, p.Val442Ala (NM_001318139.2); short protein forms V442A, V507A, V457A, V407A.
Identifiers: ClinVar variation 2706683 (VCV002706683.3), dbSNP rs2517817930, ClinGen allele CA411662133.

ClinVar aggregate classification (germline): Uncertain significance (1 of 4 stars; one submission).

Allele frequency attached by ClinVar (database versions not stated): gnomAD exomes below 0.00001.
gnomAD v4.1: 1 of 1,603,376 alleles (0.000062%); highest among the groups gnomAD compares: African/African-American, 0.0013%; no homozygotes.

Submission:

Labcorp Genetics (formerly Invitae), Labcorp
Classification: Uncertain significance. Last evaluated: 2023-12-30. Review status: criteria provided, single submitter. Criteria: Invitae Variant Classification Sherloc (09022015). Collection method: clinical testing. Allele origin: germline.
Comment: This sequence change replaces valine, which is neutral and non-polar, with alanine, which is neutral and non-polar, at codon 407 of the MKL1 protein (p.Val407Ala). This variant is not present in population databases (gnomAD no frequency). This variant has not been reported in the literature in individuals affected with MKL1-related conditions. An algorithm developed to predict the effect of missense changes on protein structure and function (PolyPhen-2) suggests that this variant is likely to be tolerated. In summary, the available evidence is currently insufficient to determine the role of this variant in disease. Therefore, it has been classified as a Variant of Uncertain Significance.